The following is an entry in ClinVar:

ClinVar aggregate classification (germline): Uncertain significance (1 of 4 stars; one submission).

gnomAD v4.1: 2 of 1,614,224 alleles (0.00012%); highest among the groups gnomAD compares: Non-Finnish European, 0.00017%; no homozygotes.

Submission:

Labcorp Genetics (formerly Invitae), Labcorp
Classification: Uncertain significance. Last evaluated: 2023-07-12. Review status: criteria provided, single submitter. Criteria: Invitae Variant Classification Sherloc (09022015). Collection method: clinical testing. Allele origin: germline.
Comment: This variant has not been reported in the literature in individuals affected with ATP4A-related conditions. This variant is present in population databases (no rsID available, gnomAD 0.0009%). In summary, the available evidence is currently insufficient to determine the role of this variant in disease. Therefore, it has been classified as a Variant of Uncertain Significance. Advanced modeling of protein sequence and biophysical properties (such as structural, functional, and spatial information, amino acid conservation, physicochemical variation, residue mobility, and thermodynamic stability) performed at Invitae indicates that this missense variant is expected to disrupt ATP4A protein function. This sequence change replaces arginine, which is basic and polar, with glycine, which is neutral and non-polar, at codon 280 of the ATP4A protein (p.Arg280Gly).

NM_000704.3(ATP4A):c.838C>G (p.Arg280Gly)

Gene: ATP4A (ATPase H+/K+ transporting subunit alpha; minus strand). Cytogenetic location: 19q13.12.
Variant type: single nucleotide variant.
Coding change: c.838C>G on transcript NM_000704.3 (MANE Select); coding-DNA position 838, C replaced by G.
Protein change: p.Arg280Gly; replaces arginine 280 with glycine.
Molecular consequence: missense variant.
Genome position (GRCh38, 1-based): chr19:35,560,023, G>C on the plus strand (C>G on the coding strand, the complement: ATP4A is on the minus strand). VCF-style: chr19-35560023-G-C. GRCh37 (hg19) VCF-style: chr19-36050925-G-C.
Other names: short protein forms R280G.
Identifiers: ClinVar variation 2880346 (VCV002880346.3), dbSNP rs140284450, ClinGen allele CA405388135.